The following is an entry in ClinVar:

ClinVar aggregate classification (germline): Likely benign (0 of 4 stars; one submission).

Conditions:
KASH5-related disorder. Also called: KASH5-related condition.

Allele frequency attached by ClinVar (database versions not stated): ESP Exome Variant Server 0.00087; 1000 Genomes Project 30x 0.00156; 1000 Genomes Project 0.00160.
gnomAD v4.1: 1,708 of 1,552,474 alleles (0.11%); highest among the groups gnomAD compares: African/African-American, 0.28%; 2 homozygotes.

Submission:

PreventionGenetics, part of Exact Sciences
Classification: Likely benign for KASH5-related condition. Last evaluated: 2023-07-29. Review status: no assertion criteria provided. Collection method: clinical testing. Allele origin: germline.
Comment: This variant is classified as likely benign based on ACMG/AMP sequence variant interpretation guidelines (Richards et al. 2015 PMID: 25741868, with internal and published modifications).

NM_144688.5(KASH5):c.1556G>A (p.Arg519Gln)

Gene: KASH5 (KASH domain containing 5; plus strand). Cytogenetic location: 19q13.33.
Variant type: single nucleotide variant.
Coding change: c.1556G>A on transcript NM_144688.5 (MANE Select); coding-DNA position 1556, G replaced by A.
Protein change: p.Arg519Gln; replaces arginine 519 with glutamine.
Molecular consequence: missense variant.
Genome position (GRCh38, 1-based): chr19:49,417,377, G>A. VCF-style: chr19-49417377-G-A. GRCh37 (hg19) VCF-style: chr19-49920634-G-A.
Other names: short protein forms R519Q.
Identifiers: ClinVar variation 3049865 (VCV003049865.2), dbSNP rs145412981, ClinGen allele CA9572509.